The following is an entry in ClinVar:

NM_002625.4(PFKFB1):c.1099-6G>T

Gene: PFKFB1 (6-phosphofructo-2-kinase/fructose-2,6-biphosphatase 1; minus strand). Cytogenetic location: Xp11.21.
Variant type: single nucleotide variant.
Coding change: c.1099-6G>T on transcript NM_002625.4 (MANE Select); 6 bases into the intron before coding-DNA position 1099, G replaced by T.
Molecular consequence: intron variant.
Genome position (GRCh38, 1-based): chrX:54,937,730, C>A on the plus strand (G>T on the coding strand, the complement: PFKFB1 is on the minus strand). VCF-style: chrX-54937730-C-A. GRCh37 (hg19) VCF-style: chrX-54964163-C-A.
Other names: c.904-6G>T (NM_001271805.2); c.1033-6G>T (NM_001271804.2).
Identifiers: ClinVar variation 384780 (VCV000384780.1), dbSNP rs373155935, ClinGen allele CA16608958.

ClinVar aggregate classification (germline): Likely benign (1 of 4 stars; one submission).

Submission:

GeneDx
Classification: Likely benign. Last evaluated: 2016-03-11. Review status: criteria provided, single submitter. Criteria: GeneDx Variant Classification (06012015). Collection method: clinical testing. Allele origin: germline. Affected: yes.
Comment: This variant is considered likely benign or benign based on one or more of the following criteria: it is a conservative change, it occurs at a poorly conserved position in the protein, it is predicted to be benign by multiple in silico algorithms, and/or has population frequency not consistent with disease.